The following is an entry in ClinVar:

ClinVar aggregate classification (germline): Uncertain significance (1 of 4 stars; one submission).

gnomAD v4.1: 2 of 1,376,412 alleles (0.00015%); highest among the groups gnomAD compares: South Asian, 0.0035%; no homozygotes.

Submission:

GeneDx
Classification: Uncertain significance. Last evaluated: 2025-06-03. Review status: criteria provided, single submitter. Criteria: GeneDx Variant Classification Process June 2021. Collection method: clinical testing. Allele origin: germline. Affected: yes.
Comment: Not observed at significant frequency in large population cohorts (gnomAD); In silico analysis suggests that this variant does not alter splicing; Has not been previously published as pathogenic or benign to our knowledge

NM_000142.5(FGFR3):c.36G>A (p.Val12=)

Gene: FGFR3 (fibroblast growth factor receptor 3; plus strand). Cytogenetic location: 4p16.3.
Variant type: single nucleotide variant.
Coding change: c.36G>A on transcript NM_000142.5 (MANE Select); coding-DNA position 36, G replaced by A.
Protein change: p.Val12=; no amino-acid change (valine 12 retained).
Molecular consequence: synonymous variant. On other transcripts: non-coding transcript variant (1).
Genome position (GRCh38, 1-based): chr4:1,793,970, G>A. VCF-style: chr4-1793970-G-A. GRCh37 (hg19) VCF-style: chr4-1795697-G-A.
Other names: c.36G>A, p.Val12= (NM_001163213.2, NM_001354809.2, NM_001354810.2 and 1 more transcripts).
Identifiers: ClinVar variation 4536278 (VCV004536278.1).
Genomic context (GRCh38, chr4:1,793,970, plus strand): 5'-GGACGCCGCGGCCCCCGCCCCCGCCATGGGCGCCCCTGCCTGCGCCCTCGCGCTCTGCGT[G>A]GCCGTGGCCATCGTGGCCGGCGCCTCCTCGGAGTCCTTGGGGACGGAGCAGCGCGTCGTG-3'
Protein context (NP_000133.1, residues 2-22): GAPACALALC[Val12=]AVAIVAGASS